The following is an entry in ClinVar:

ClinVar aggregate classification (germline): Uncertain significance (1 of 4 stars; one submission).

Conditions:
Catecholaminergic polymorphic ventricular tachycardia 1. Also called: VENTRICULAR TACHYCARDIA, STRESS-INDUCED POLYMORPHIC 1; RYR2-Related Catecholaminergic Polymorphic Ventricular Tachycardia; VENTRICULAR TACHYCARDIA, CATECHOLAMINERGIC POLYMORPHIC, 1, WITH OR WITHOUT ATRIAL DYSFUNCTION AND/OR DILATED CARDIOMYOPATHY. Identifiers: Orphanet 3286, MedGen C1631597, MONDO:0011484, OMIM 604772.

gnomAD v4.1: 9 of 1,613,974 alleles (0.00056%); highest among the groups gnomAD compares: Non-Finnish European, 0.00076%; no homozygotes.

Submission:

Labcorp Genetics (formerly Invitae), Labcorp
Classification: Uncertain significance for Catecholaminergic polymorphic ventricular tachycardia 1. Last evaluated: 2022-10-08. Review status: criteria provided, single submitter. Criteria: Invitae Variant Classification Sherloc (09022015). Collection method: clinical testing. Allele origin: germline.
Comment: This sequence change replaces arginine, which is basic and polar, with glycine, which is neutral and non-polar, at codon 769 of the RYR2 protein (p.Arg769Gly). In summary, the available evidence is currently insufficient to determine the role of this variant in disease. Therefore, it has been classified as a Variant of Uncertain Significance. Advanced modeling of protein sequence and biophysical properties (such as structural, functional, and spatial information, amino acid conservation, physicochemical variation, residue mobility, and thermodynamic stability) performed at Invitae indicates that this missense variant is not expected to disrupt RYR2 protein function. This variant has not been reported in the literature in individuals affected with RYR2-related conditions. This variant is not present in population databases (gnomAD no frequency).

NM_001035.3(RYR2):c.2305C>G (p.Arg769Gly)

Gene: RYR2 (ryanodine receptor 2; plus strand). Cytogenetic location: 1q43.
Variant type: single nucleotide variant.
Coding change: c.2305C>G on transcript NM_001035.3 (MANE Select); coding-DNA position 2305, C replaced by G.
Protein change: p.Arg769Gly; replaces arginine 769 with glycine.
Molecular consequence: missense variant.
Genome position (GRCh38, 1-based): chr1:237,500,812, C>G. VCF-style: chr1-237500812-C-G. GRCh37 (hg19) VCF-style: chr1-237664112-C-G.
Other names: short protein forms R769G.
Identifiers: ClinVar variation 2150313 (VCV002150313.4), dbSNP rs2545868816, ClinGen allele CA345393208.